The following is an entry in ClinVar:

NM_001754.5(RUNX1):c.1395C>A (p.Asn465Lys)

Gene: RUNX1 (RUNX family transcription factor 1; minus strand). Cytogenetic location: 21q22.12.
Variant type: single nucleotide variant.
Coding change: c.1395C>A on transcript NM_001754.5 (MANE Select); coding-DNA position 1395, C replaced by A.
Protein change: p.Asn465Lys; replaces asparagine 465 with lysine.
Molecular consequence: missense variant.
Genome position (GRCh38, 1-based): chr21:34,792,183, G>T on the plus strand (C>A on the coding strand, the complement: RUNX1 is on the minus strand). VCF-style: chr21-34792183-G-T. GRCh37 (hg19) VCF-style: chr21-36164480-G-T.
Other names: c.1314C>A, p.Asn438Lys (NM_001001890.3); short protein forms N438K, N465K.
Identifiers: ClinVar variation 666273 (VCV000666273.2), dbSNP rs1447497062, ClinGen allele CA410146870.

ClinVar aggregate classification (germline): Uncertain significance (3 of 4 stars; one submission).

Conditions:
Hereditary thrombocytopenia and hematologic cancer predisposition syndrome. Identifiers: Orphanet 71290, MedGen CN281654, MONDO:0011071.

Submission:

ClinGen Myeloid Malignancy Variant Curation Expert Panel
Classification: Uncertain significance for Hereditary thrombocytopenia and hematologic cancer predisposition syndrome. Last evaluated: 2025-01-15. Review status: reviewed by expert panel. Criteria: ClinGen MyeloMalig ACMG Specifications v2. Collection method: curation. Allele origin: germline. Inheritance: Autosomal dominant inheritance.
Comment: NM_001754.5(RUNX1):c.1395C>A (p.Asn465Lys) is a missense variant which is completely absent from all population databases with at least 20x coverage for RUNX1 (PM2_supporting). This variant has a REVEL score of 0.108 (< 0.15), and SSF and MES predict no change in the canonical splice site score, with no creation of putative cryptic splice sites, supporting BP4. The variant is reported in an individual with MDS in PMID: 26884589; however, a germline sample was not used for genetic testing, so the evidence does not meet the criteria for PS4_supporting. In summary, the clinical significance of this variant is uncertain. ACMG/AMP criteria applied, as specified by the Myeloid Malignancy Variant Curation Expert Panel for RUNX1: PM2_supporting, BP4.